The following is an entry in ClinVar:

NM_015164.4(PLEKHM2):c.3028C>T (p.Arg1010Cys)

Gene: PLEKHM2 (pleckstrin homology and RUN domain containing M2; plus strand). Cytogenetic location: 1p36.21.
Variant type: single nucleotide variant.
Coding change: c.3028C>T on transcript NM_015164.4 (MANE Select); coding-DNA position 3028, C replaced by T.
Protein change: p.Arg1010Cys; replaces arginine 1010 with cysteine.
Molecular consequence: missense variant.
Genome position (GRCh38, 1-based): chr1:15,733,902, C>T. VCF-style: chr1-15733902-C-T. GRCh37 (hg19) VCF-style: chr1-16060397-C-T.
Other names: c.2968C>T, p.Arg990Cys (NM_001410755.1); short protein forms R1010C, R990C.
Identifiers: ClinVar variation 1909234 (VCV001909234.5), dbSNP rs781466914, ClinGen allele CA617434.

ClinVar aggregate classification (germline): Uncertain significance (1 of 4 stars; one submission).

Allele frequency attached by ClinVar (database versions not stated): gnomAD 0.00001; gnomAD exomes 0.00001; TOPMed 0.00002; ExAC 0.00003.
gnomAD v4.1: 16 of 1,612,674 alleles (0.00099%); highest among the groups gnomAD compares: Middle Eastern, 0.016%; no homozygotes.

Submission:

Labcorp Genetics (formerly Invitae), Labcorp
Classification: Uncertain significance. Last evaluated: 2024-10-10. Review status: criteria provided, single submitter. Criteria: Invitae Variant Classification Sherloc (09022015). Collection method: clinical testing. Allele origin: germline.
Comment: This sequence change replaces arginine, which is basic and polar, with cysteine, which is neutral and slightly polar, at codon 1010 of the PLEKHM2 protein (p.Arg1010Cys). This variant is present in population databases (rs781466914, gnomAD 0.01%). This variant has not been reported in the literature in individuals affected with PLEKHM2-related conditions. ClinVar contains an entry for this variant (Variation ID: 1909234). An algorithm developed to predict the effect of missense changes on protein structure and function (PolyPhen-2) suggests that this variant is likely to be disruptive. In summary, the available evidence is currently insufficient to determine the role of this variant in disease. Therefore, it has been classified as a Variant of Uncertain Significance.